The following is an entry in ClinVar:

NM_000038.6(APC):c.78G>A (p.Glu26=)

Gene: APC (APC regulator of Wnt signaling pathway; plus strand). Cytogenetic location: 5q22.2.
Variant type: single nucleotide variant.
Coding change: c.78G>A on transcript NM_000038.6 (MANE Select); coding-DNA position 78, G replaced by A.
Protein change: p.Glu26=; no amino-acid change (glutamic acid 26 retained).
Molecular consequence: synonymous variant. On other transcripts: 5 prime UTR variant (1), intron variant (8).
Genome position (GRCh38, 1-based): chr5:112,754,968, G>A. VCF-style: chr5-112754968-G-A. GRCh37 (hg19) VCF-style: chr5-112090665-G-A.
Other names: c.78G>A, p.Glu26= (NM_001127510.3, NM_001354895.2, NM_001354896.2 and 2 more transcripts); c.-958G>A (NM_001354906.2); c.166-11358G>A (NM_001354897.2, NM_001354902.2, NM_001127511.3); c.61-11358G>A (NM_001354898.2, NM_001354904.2); c.-42-11358G>A (NM_001354900.2, NM_001354901.2, NM_001354905.2).
Identifiers: ClinVar variation 629039 (VCV000629039.15), dbSNP rs1561444861, ClinGen allele CA445752485.

ClinVar aggregate classification (germline): Benign/Likely benign. Review status: criteria provided, multiple submitters, no conflicts (2 of 4 stars). 4 submissions from 4 submitters: Benign (1); Likely benign (3). Last evaluated 2025-03-31.

Conditions:
Hereditary cancer-predisposing syndrome. Also called: Neoplastic Syndromes, Hereditary; Tumor predisposition; Hereditary neoplastic syndrome; Hereditary Cancer Syndrome. Identifiers: Orphanet 140162, MedGen C0027672, MeSH D009386, MONDO:0015356.
Familial adenomatous polyposis 1 (FAP1). Also called: POLYPOSIS, ADENOMATOUS INTESTINAL; FAMILIAL ADENOMATOUS POLYPOSIS 1, ATTENUATED. Identifiers: MedGen C2713442, MONDO:0021056, OMIM 175100. Disease mechanism: loss of function.

Submissions (4):

Labcorp Genetics (formerly Invitae), Labcorp
Classification: Likely benign for Familial adenomatous polyposis 1. Last evaluated: 2025-03-31. Review status: criteria provided, single submitter. Criteria: Invitae Variant Classification Sherloc (09022015). Collection method: clinical testing. Allele origin: germline.

Myriad Genetics, Inc.
Classification: Benign for Familial adenomatous polyposis 1. Last evaluated: 2024-02-22. Review status: criteria provided, single submitter. Criteria: Myriad Autosomal Dominant, Autosomal Recessive and X-Linked Classification Criteria (2023). Collection method: clinical testing. Allele origin: unknown.
Comment: This variant is considered benign. This variant is a silent/synonymous amino acid change and it is not expected to impact splicing.

Ambry Genetics
Classification: Likely benign for Hereditary cancer-predisposing syndrome. Last evaluated: 2020-08-15. Review status: criteria provided, single submitter. Criteria: Ambry Variant Classification Scheme 2023. Collection method: clinical testing. Allele origin: germline.

Color Diagnostics, LLC DBA Color Health
Classification: Likely benign for Hereditary cancer-predisposing syndrome. Last evaluated: 2018-08-14. Review status: criteria provided, single submitter. Criteria: ACMG Guidelines, 2015. Collection method: clinical testing. Allele origin: germline.